The following is an entry in ClinVar:

ClinVar aggregate classification (germline): Uncertain significance (1 of 4 stars; one submission).

Conditions:
HK1-related disorder. Also called: HK1-related condition; HK1-related disorders.

Submission:

PreventionGenetics, part of Exact Sciences
Classification: Uncertain significance for HK1-related condition. Last evaluated: 2026-05-28. Review status: criteria provided, single submitter. Criteria: ACMG Guidelines, 2015. Collection method: clinical testing. Allele origin: germline.
Comment: The HK1 c.1603G>A variant is predicted to result in the amino acid substitution p.Gly535Arg. To our knowledge, this variant has not been reported in the literature or in a large population database (gnomAD), indicating this variant is rare. At this time, the clinical significance of this variant is uncertain due to the absence of conclusive functional and genetic evidence.

NM_000188.3(HK1):c.1603G>A (p.Gly535Arg)

Gene: HK1 (hexokinase 1; plus strand). Cytogenetic location: 10q22.1.
Variant type: single nucleotide variant.
Coding change: c.1603G>A on transcript NM_000188.3 (MANE Select); coding-DNA position 1603, G replaced by A.
Protein change: p.Gly535Arg; replaces glycine 535 with arginine.
Molecular consequence: missense variant. On other transcripts: non-coding transcript variant (2).
Genome position (GRCh38, 1-based): chr10:69,384,365, G>A. VCF-style: chr10-69384365-G-A. GRCh37 (hg19) VCF-style: chr10-71144121-G-A.
Other names: c.1615G>A, p.Gly539Arg (NM_001322364.2, NM_001358263.1, NM_033497.3 and 1 more transcripts); c.1708G>A, p.Gly570Arg (NM_001322365.2); c.1519G>A, p.Gly507Arg (NM_001322366.1, NM_001441143.1); c.1507G>A, p.Gly503Arg (NM_001322367.1); c.1603G>A, p.Gly535Arg (NM_001441139.1, NM_001441141.1, NM_001441145.1 and 2 more transcripts); c.1594G>A, p.Gly532Arg (NM_001441140.1); c.1561G>A, p.Gly521Arg (NM_001441142.1); c.1483G>A, p.Gly495Arg (NM_001441144.1); and 8 more; short protein forms G322R, G495R, G507R, G523R, G503R, G532R, G534R, G539R.
Identifiers: ClinVar variation 4995029 (VCV004995029.1).